The following is an entry in ClinVar:

NM_001267550.2(TTN):c.32554+5_32554+6del

Gene: TTN (titin; minus strand). Cytogenetic location: 2q31.2.
Variant type: Microsatellite.
Coding change: c.32554+5_32554+6del on transcript NM_001267550.2 (MANE Select); bases 5 to 6 of the intron after coding-DNA position 32554, 2 bases deleted (AT; older notation c.32554+5_32554+6delAT).
Molecular consequence: splice donor variant. On other transcripts: intron variant (3).
Genome position (GRCh38, 1-based): chr2:178,684,900-178,684,901, AT deleted on the plus strand (AT on the coding strand, the reverse complement: TTN is on the minus strand); deleting any 2 consecutive bases within chr2:178,684,900-178,684,904 gives the same sequence; the c. name uses the placement nearest the transcript's 3' end. VCF-style (leftmost placement, unchanged base first): chr2-178684899-AAT-A. GRCh37 (hg19) VCF-style: chr2-179549626-AAT-A.
Other names: c.31603+5_31603+6delAT (NM_001256850.1); c.32554+5_32554+6delAT (NM_001267550.2); c.13283-42584_13283-42583del (NM_003319.4); c.13859-42584_13859-42583del (NM_133437.4); c.13658-42584_13658-42583del (NM_133432.3); c.28822+5_28822+6del (NM_133378.4); c.31603+5_31603+6del (NM_001256850.1).
Identifiers: ClinVar variation 467017 (VCV000467017.31), dbSNP rs771419718, ClinGen allele CA1998620.

ClinVar aggregate classification (germline): Conflicting classifications of pathogenicity. Review status: criteria provided, conflicting classifications (1 of 4 stars). 10 submissions from 10 submitters: Uncertain significance (4); Likely benign (3). 3 of the submissions do not count toward it. Last evaluated 2025-05-27.

Conditions:
Autosomal recessive limb-girdle muscular dystrophy type 2J (LGMDR10). Also called: MUSCULAR DYSTROPHY, LIMB-GIRDLE, AUTOSOMAL RECESSIVE 10; Limb-girdle muscular dystrophy, type 2J. Identifiers: Orphanet 140922, MedGen C1837342, MONDO:0012127, OMIM 608807.
Dilated cardiomyopathy 1G (CMD1G). Identifiers: Orphanet 154, MedGen C1858763, MONDO:0011400, OMIM 604145.
Myopathy, myofibrillar, 9, with early respiratory failure (MFM9). Also called: Hereditary myopathy with early respiratory failure; EDSTROM MYOPATHY; MYOPATHY, PROXIMAL, WITH EARLY RESPIRATORY MUSCLE INVOLVEMENT; Myopathy, distal, with early respiratory failure, autosomal dominant. Identifiers: Orphanet 178464, Orphanet 34521, MedGen C1863599, MONDO:0011362, OMIM 603689.
Myopathy. Identifiers: MedGen C0026848, MeSH D009135, MONDO:0005336, HP:0003198.
Early-onset myopathy with fatal cardiomyopathy (CMYO5). Also called: CONGENITAL MYOPATHY 5 WITH CARDIOMYOPATHY; Salih Myopathy. Identifiers: Orphanet 289377, MedGen C2673677, MONDO:0012714, OMIM 611705. Disease mechanism: loss of function.
Tibial muscular dystrophy (TMD). Also called: UDD MYOPATHY; Tibial muscular dystrophy, tardive; Udd Distal Myopathy – Tibial Muscular Dystrophy. Identifiers: Orphanet 609, MedGen C1838244, MONDO:0010870, OMIM 600334.
TTN-related disorder. Also called: TTN-related disorders; TTN-related condition; TTN-related disease.
Cardiomyopathy (CMYO). Also called: Cardiomyopathies. Identifiers: Orphanet 167848, MedGen C0878544, MONDO:0004994, HP:0001638. Inheritance: Various modes of inheritance.

Submissions (10):

Mayo Clinic Laboratories, Mayo Clinic
Classification: Likely benign. Last evaluated: 2025-05-27. Review status: criteria provided, single submitter. Criteria: ACMG Guidelines, 2015. Collection method: clinical testing. Allele origin: germline. Observed: 3 variant alleles.
Comment: BP4, BP7

Blueprint Genetics
Classification: Likely benign. Last evaluated: 2024-10-18. Review status: criteria provided, single submitter. Criteria: ACMG Guidelines, 2015. Collection method: clinical testing. Allele origin: germline.

Clinical Genomics Laboratory, Stanford Medicine
Classification: Uncertain significance for Dilated cardiomyopathy 1G; Myopathy; Tibial muscular dystrophy; Autosomal recessive limb-girdle muscular dystrophy type 2J; Myopathy, myofibrillar, 9, with early respiratory failure; Early-onset myopathy with fatal cardiomyopathy. Last evaluated: 2022-05-02. Review status: criteria provided, single submitter. Criteria: ACMG Guidelines, 2015. Collection method: clinical testing. Allele origin: germline. Affected: yes. Observed: 1 variant allele.
Comment: The c.32554+5_32554+6del variant in the TTN gene has not been previously reported in association with disease. This variant has been identified in 37/117,776 European non-Finnish chromosomes (44/260,194 chromosomes overall) by the Genome Aggregation Database. Although this variant has been seen in the general population, it has not been observed at a high enough frequency to rule out pathogenicity. This variant occurs in the 5’ donor splice site and computational tools do not consistently predict an impact to splicing. However, the accuracy of these computational tools is limited. These data were assessed using the ACMG/AMP variant interpretation guidelines. In summary, the significance of the c.32554+5_32554+6del variant is uncertain. Additional information is needed to resolve the significance of this variant. [ACMG evidence codes used: BP4]

GeneDx
Classification: Likely benign. Last evaluated: 2020-10-21. Review status: criteria provided, single submitter. Criteria: GeneDx Variant Classification Process June 2021. Collection method: clinical testing. Allele origin: germline. Affected: yes.

Eurofins Ntd Llc (ga)
Classification: Uncertain significance. Last evaluated: 2018-06-19. Review status: criteria provided, single submitter. Criteria: EGL ClinVar v180209 classification definitions. Collection method: clinical testing. Allele origin: germline. Observed: 7 variant alleles, 2 heterozygotes.

Labcorp Genetics (formerly Invitae), Labcorp
Classification: Uncertain significance for Dilated cardiomyopathy 1G; Autosomal recessive limb-girdle muscular dystrophy type 2J. Last evaluated: 2018-01-09. Review status: criteria provided, single submitter. Criteria: Invitae Variant Classification Sherloc (09022015). Collection method: clinical testing. Allele origin: germline.

CHEO Genetics Diagnostic Laboratory, Children's Hospital of Eastern Ontario
Classification: Uncertain significance for Cardiomyopathy. Last evaluated: 2017-01-04. Review status: criteria provided, single submitter. Criteria: ACMG Guidelines, 2015. Collection method: clinical testing. Allele origin: germline. Study: Canadian Open Genetics Repository.

PreventionGenetics, part of Exact Sciences
Classification: Likely benign for TTN-related condition. Last evaluated: 2020-01-07. Review status: no assertion criteria provided. Collection method: clinical testing. Allele origin: germline. Not counted in ClinVar's aggregate classification.
Comment: This variant is classified as likely benign based on ACMG/AMP sequence variant interpretation guidelines (Richards et al. 2015 PMID: 25741868, with internal and published modifications).

Genome Diagnostics Laboratory, University Medical Center Utrecht
Classification: Likely benign. Review status: no assertion criteria provided. Collection method: clinical testing. Allele origin: germline. Affected: yes. Study: VKGL Data-share Consensus. Not counted in ClinVar's aggregate classification.

Joint Genome Diagnostic Labs from Nijmegen and Maastricht, Radboudumc and MUMC+
Classification: Likely benign. Review status: no assertion criteria provided. Collection method: clinical testing. Allele origin: germline. Affected: yes. Study: VKGL Data-share Consensus. Not counted in ClinVar's aggregate classification.